The following is an entry in ClinVar:

NM_201384.3(PLEC):c.2587CAGGAGGCC[3] (p.Ala868_Val869insGlnGluAla)

Gene: PLEC (plectin; minus strand). Cytogenetic location: 8q24.3.
Variant type: Microsatellite.
Coding change: c.2587CAGGAGGCC[3] on transcript NM_201384.3 (MANE Select); three copies in a row of the 9-base unit CAGGAGGCC starting at c.2587; the reference has two copies in a row; one copy, 9 bases duplicated.
Protein change: p.Ala868_Val869insGlnGluAla.
Genome position (GRCh38, 1-based): chr8:143,930,152-143,930,160, GGCCTCCTG duplicated on the plus strand (CAGGAGGCC on the coding strand, the reverse complement: PLEC is on the minus strand); duplicating any 9 consecutive bases within chr8:143,930,152-143,930,170 gives the same sequence; the position shown is the placement nearest the transcript's 3' end. VCF-style (leftmost placement, unchanged base first): chr8-143930151-C-CGGCCTCCTG. GRCh37 (hg19) VCF-style: chr8-145004319-C-CGGCCTCCTG.
Other names: c.2668CAGGAGGCC[3], p.Ala895_Val896insGlnGluAla (NM_000445.5, NM_001410941.1); c.2545CAGGAGGCC[3], p.Ala854_Val855insGlnGluAla (NM_201378.4); c.2521CAGGAGGCC[3], p.Ala846_Val847insGlnGluAla (NM_201379.3); c.2998CAGGAGGCC[3], p.Ala1005_Val1006insGlnGluAla (NM_201380.4); c.2491CAGGAGGCC[3], p.Ala836_Val837insGlnGluAla (NM_201381.3); c.2587CAGGAGGCC[3], p.Ala868_Val869insGlnGluAla (NM_201382.4); c.2599CAGGAGGCC[3], p.Ala872_Val873insGlnGluAla (NM_201383.3).
Identifiers: ClinVar variation 4785814 (VCV004785814.1).

ClinVar aggregate classification (germline): Uncertain significance (1 of 4 stars; one submission).

Conditions:
Epidermolysis bullosa simplex with nail dystrophy (EBS5D). Identifiers: MedGen C4225309, MONDO:0014661, OMIM 616487.
Epidermolysis bullosa simplex, Ogna type (EBS5A). Also called: EPIDERMOLYSIS BULLOSA SIMPLEX 5A, OGNA TYPE; Pidermolysis bullosa simplex 5A, Ogna type. Identifiers: Orphanet 79401, MedGen C0432317, MONDO:0007555, OMIM 131950.
Autosomal recessive limb-girdle muscular dystrophy type 2Q (LGMDR17). Also called: MUSCULAR DYSTROPHY, LIMB-GIRDLE, AUTOSOMAL RECESSIVE 17. Identifiers: Orphanet 254361, MedGen C3150989, MONDO:0013390, OMIM 613723.
Epidermolysis bullosa simplex 5B, with muscular dystrophy (EBS5B). Also called: EPIDERMOLYSIS BULLOSA SIMPLEX AND LIMB-GIRDLE MUSCULAR DYSTROPHY; Epidermolysis bullosa simplex with muscular dystrophy. Identifiers: Orphanet 257, MedGen C2931072, MONDO:0009181, OMIM 226670.
Epidermolysis bullosa simplex 5C, with pyloric atresia (EBS5C). Also called: PLEC-Related Epidermolysis Bullosa with Pyloric Atresia; Epidermolysis bullosa simplex with pyloric atresia; PLEC1-Related Epidermolysis Bullosa with Pyloric Atresia. Identifiers: Orphanet 158684, MedGen C2677349, MONDO:0012807, OMIM 612138.

Submission:

Labcorp Genetics (formerly Invitae), Labcorp
Classification: Uncertain significance for Autosomal recessive limb-girdle muscular dystrophy type 2Q; Epidermolysis bullosa simplex, Ogna type; Epidermolysis bullosa simplex with nail dystrophy; Epidermolysis bullosa simplex 5C, with pyloric atresia; Epidermolysis bullosa simplex 5B, with muscular dystrophy. Last evaluated: 2026-01-24. Review status: criteria provided, single submitter. Criteria: Invitae Variant Classification Sherloc (09022015). Collection method: clinical testing. Allele origin: germline.
Comment: This variant, c.2677_2685dup, results in the insertion of 3 amino acid(s) of the PLEC protein (p.Gln893_Ala895dup), but otherwise preserves the integrity of the reading frame. The frequency data for this variant in the population databases is considered unreliable, as metrics indicate poor data quality at this position in the gnomAD database. This variant has not been reported in the literature in individuals affected with PLEC-related conditions. In summary, the available evidence is currently insufficient to determine the role of this variant in disease. Therefore, it has been classified as a Variant of Uncertain Significance.